The following is an entry in ClinVar:

ClinVar aggregate classification (germline): Pathogenic (1 of 4 stars; one submission).

Conditions:
Bardet-Biedl syndrome 16 (BBS16). Identifiers: Orphanet 110, MedGen C3889474, MONDO:0014444, OMIM 615993.
Senior-Loken syndrome 7 (SLSN7). Identifiers: Orphanet 3156, MedGen C3150877, MONDO:0013326, OMIM 613615.

Submission:

Labcorp Genetics (formerly Invitae), Labcorp
Classification: Pathogenic for Bardet-Biedl syndrome 16; Senior-Loken syndrome 7. Last evaluated: 2022-02-05. Review status: criteria provided, single submitter. Criteria: Invitae Variant Classification Sherloc (09022015). Collection method: clinical testing. Allele origin: unknown.
Comment: For these reasons, this variant has been classified as Pathogenic. This variant has not been reported in the literature in individuals affected with SDCCAG8-related conditions. A gross deletion of the genomic region encompassing the full coding sequence of the SDCCAG8 gene has been identified. Loss-of-function variants in SDCCAG8 are known to be pathogenic (PMID: 20835237, 22190896). The boundaries of this event are unknown as they extend beyond the assayed region for this gene and therefore may encompass additional genes.

Literature cited by the submitters: PubMed 20835237; PubMed 22190896.

NC_000001.10:g.(?_243419466)_(243663097_?)del

Genes: SDCCAG8 (SHH signaling and ciliogenesis regulator SDCCAG8; plus strand), AKT3 (AKT serine/threonine kinase 3; minus strand). Cytogenetic location: 1q43.
Variant type: Deletion.
Identifiers: ClinVar variation 3247836 (VCV003247836.1).